The following is an entry in ClinVar:

ClinVar aggregate classification (germline): Conflicting classifications of pathogenicity. Review status: criteria provided, conflicting classifications (1 of 4 stars). 2 submissions from 2 submitters: Uncertain significance (1); Likely benign (1). Last evaluated 2022-11-28.

Conditions:
Developmental delay with variable intellectual impairment and behavioral abnormalities. Identifiers: MedGen C5193092, MONDO:0032745, OMIM 618430.

gnomAD v4.1: 4 of 1,614,148 alleles (0.00025%); highest among the groups gnomAD compares: Non-Finnish European, 0.00034%; no homozygotes.

Submissions (2):

Labcorp Genetics (formerly Invitae), Labcorp
Classification: Likely benign. Last evaluated: 2022-11-28. Review status: criteria provided, single submitter. Criteria: Invitae Variant Classification Sherloc (09022015). Collection method: clinical testing. Allele origin: germline.

Neuberg Centre For Genomic Medicine, NCGM
Classification: Uncertain significance for Developmental delay with variable intellectual impairment and behavioral abnormalities. Review status: criteria provided, single submitter. Criteria: ACMG Guidelines, 2015. Collection method: clinical testing. Allele origin: germline. Inheritance: Autosomal dominant inheritance. Affected: yes.
Comment: The observed missense variant c.4142C>T(p.Thr1381Met) in the TCF20 gene has not been reported previously as a pathogenic variant nor as a benign variant, to our knowledge. This variant is absent in the gnomAD Exomes. This variant has been reported to the ClinVar database as Uncertain Significance. However, no details are available for independent assessment. The amino acid Thr at position 1381 is changed to a Met changing protein sequence and it might alter its composition and physico- chemical properties. Multiple lines of computational evidence (Polyphen - Probably damaging, SIFT - Damaging and MutationTaster - Disease causing) predict a damaging effect on protein structure and function for this variant. The residue is conserved by GERP++ and PhyloP across 100 vertebrates. For these reasons, this variant has been classified as Uncertain Significance.

NM_001378418.1(TCF20):c.4142C>T (p.Thr1381Met)

Gene: TCF20 (transcription factor 20; minus strand). Cytogenetic location: 22q13.2.
Variant type: single nucleotide variant.
Coding change: c.4142C>T on transcript NM_001378418.1 (MANE Select); coding-DNA position 4142, C replaced by T.
Protein change: p.Thr1381Met; replaces threonine 1381 with methionine.
Molecular consequence: missense variant.
Genome position (GRCh38, 1-based): chr22:42,211,164, G>A on the plus strand (C>T on the coding strand, the complement: TCF20 is on the minus strand). VCF-style: chr22-42211164-G-A. GRCh37 (hg19) VCF-style: chr22-42607170-G-A.
Other names: c.4142C>T, p.Thr1381Met (NM_005650.4, NM_181492.3); short protein forms T1381M.
Identifiers: ClinVar variation 1721658 (VCV001721658.5), dbSNP rs2518209232, ClinGen allele CA411784957.